The following is an entry in ClinVar:

ClinVar aggregate classification (germline): Benign (1 of 4 stars; one submission).

Conditions:
Fibrous dysplasia of jaw (CRBM). Also called: Cherubism. Identifiers: Orphanet 184, MedGen C0008029, MONDO:0007315, OMIM 118400.

Allele frequency attached by ClinVar (database versions not stated): 1000 Genomes Project 0.00140; TOPMed 0.00251; gnomAD 0.00252 and 0.00260.

Submission:

Illumina Laboratory Services, Illumina
Classification: Benign for Fibrous dysplasia of jaw. Last evaluated: 2018-01-13. Review status: criteria provided, single submitter. Criteria: ICSL Variant Classification Criteria 13 December 2019. Collection method: clinical testing. Allele origin: germline.
Comment: This variant was observed in the ICSL laboratory as part of a predisposition screen in an ostensibly healthy population. It had not been previously curated by ICSL or reported in the Human Gene Mutation Database (HGMD: prior to June 1st, 2018), and was therefore a candidate for classification through an automated scoring system. Utilizing variant allele frequency, disease prevalence and penetrance estimates, and inheritance mode, an automated score was calculated to assess if this variant is too frequent to cause the disease. Based on the score and internal cut-off values, a variant classified as benign is not then subjected to further curation. The score for this variant resulted in a classification of benign for this disease.

NM_001122681.2(SH3BP2):c.*4047C>T

Gene: SH3BP2 (SH3 domain binding protein 2; plus strand). Cytogenetic location: 4p16.3.
Variant type: single nucleotide variant.
Coding change: c.*4047C>T on transcript NM_001122681.2 (MANE Select); 4047 bases downstream of the stop codon, C replaced by T.
Molecular consequence: 3 prime UTR variant.
Genome position (GRCh38, 1-based): chr4:2,837,881, C>T. VCF-style: chr4-2837881-C-T. GRCh37 (hg19) VCF-style: chr4-2839608-C-T.
Other names: c.*4047C>T (LRG_1334t2, LRG_1334t1, NM_001145855.2 and 2 more transcripts).
Identifiers: ClinVar variation 348669 (VCV000348669.5), dbSNP rs115450246, ClinGen allele CA10618663.